The following is an entry in ClinVar:

ClinVar aggregate classification (germline): not provided (0 of 4 stars; one submission).

Conditions:
Small for gestational age. Also called: Low birth weight. Identifiers: MedGen C0235991, HP:0001518.

Submission:

Institute of Molecular and Cell Biology, University of Tartu
No classification provided. Condition: Small for gestational age. Review status: no classification provided. Collection method: case-control. Allele origin: unknown. Affected: yes. Study: Kasak2014.
Comment: The study aimed to determine the contribution of copy number variants in the genetic etiology of normal and complicated pregnancies. The samples represented (i) maternal blood DNA drawn from healthy pregnant women during 1st or 2nd trimester and (ii) maternal and paternal blood DNA drawn at term pregnancy cases representing normal and complicated gestations (severe preeclampsia, PE; gestational diabetes, GD; small-for-gestational age newborn, SGA; large-for-gestational age newborn, LGA). We performed CNV calling based on genome-wide genotyping dataset (Illumina HumanOmniExpress-24-v1 BeadChip) by applying three algorithms, QuantiSNP, GADA (Genome Alteration Detection Algorithm) and CNstream in parallel. The acquired CNV calls were merged with HD-CNV (Hotspot Detector for Copy Number Variants) program and only the CNVs predicted by at least two programs, were considered in subsequent analysis.

Literature cited by the submitters: PubMed 25666259.

CM000676.1:g.90758891_90802050dup

Genes: NRDE2 (NRDE-2, necessary for RNA interference, domain containing; minus strand), LOC125078019 (Sharpr-MPRA regulatory region 379; plus strand), LOC126862020 (CDK7 strongly-dependent group 2 enhancer GRCh37_chr14:90757747-90758946; plus strand), LOC130056269 (ATAC-STARR-seq lymphoblastoid active region 8875; plus strand), LOC130056270 (ATAC-STARR-seq lymphoblastoid silent region 6006; plus strand). Cytogenetic location: 14q32.11.
Variant type: Duplication.
Identifiers: ClinVar variation 157319 (VCV000157319.2).